The following is an entry in ClinVar:

NM_174878.3(CLRN1):c.295G>A (p.Val99Ile)

Gene: CLRN1 (clarin 1; minus strand). Cytogenetic location: 3q25.1.
Variant type: single nucleotide variant.
Coding change: c.295G>A on transcript NM_174878.3 (MANE Select); coding-DNA position 295, G replaced by A.
Protein change: p.Val99Ile; replaces valine 99 with isoleucine.
Molecular consequence: missense variant. On other transcripts: non-coding transcript variant (1).
Genome position (GRCh38, 1-based): chr3:150,941,720, C>T on the plus strand (G>A on the coding strand, the complement: CLRN1 is on the minus strand). VCF-style: chr3-150941720-C-T. GRCh37 (hg19) VCF-style: chr3-150659507-C-T.
Other names: c.295G>A, p.Val99Ile (NM_001195794.1); c.467G>A, p.Arg156His (NM_001256819.2); c.67G>A, p.Val23Ile (NM_052995.2); c.295G>A (NM_174878.2); short protein forms R156H, V23I, V99I.
Identifiers: ClinVar variation 2175998 (VCV002175998.4), dbSNP rs754794211, ClinGen allele CA2666093.

ClinVar aggregate classification (germline): Uncertain significance. Review status: criteria provided, multiple submitters, no conflicts (2 of 4 stars). 3 submissions from 3 submitters: Uncertain significance (3). Last evaluated 2024-11-11.

Conditions:
Inborn genetic diseases. Identifiers: MedGen C0950123, MeSH D030342.

Allele frequency attached by ClinVar (database versions not stated): gnomAD exomes 0.00001; TOPMed 0.00001; ExAC 0.00003.
gnomAD v4.1: 19 of 1,614,006 alleles (0.0012%); highest among the groups gnomAD compares: Middle Eastern, 0.033%; no homozygotes.

Submissions (3):

Ambry Genetics
Classification: Uncertain significance for Inborn genetic diseases. Last evaluated: 2024-11-11. Review status: criteria provided, single submitter. Criteria: Ambry Variant Classification Scheme 2023. Collection method: clinical testing. Allele origin: germline.

Labcorp Genetics (formerly Invitae), Labcorp
Classification: Uncertain significance. Last evaluated: 2024-08-13. Review status: criteria provided, single submitter. Criteria: Invitae Variant Classification Sherloc (09022015). Collection method: clinical testing. Allele origin: germline.
Comment: This sequence change replaces valine, which is neutral and non-polar, with isoleucine, which is neutral and non-polar, at codon 99 of the CLRN1 protein (p.Val99Ile). This variant is present in population databases (rs754794211, gnomAD 0.01%). This variant has not been reported in the literature in individuals affected with CLRN1-related conditions. ClinVar contains an entry for this variant (Variation ID: 2175998). An algorithm developed to predict the effect of missense changes on protein structure and function outputs the following: PolyPhen-2: "Benign". The isoleucine amino acid residue is found in multiple mammalian species, which suggests that this missense change does not adversely affect protein function. In summary, the available evidence is currently insufficient to determine the role of this variant in disease. Therefore, it has been classified as a Variant of Uncertain Significance.

GeneDx
Classification: Uncertain significance. Last evaluated: 2023-05-26. Review status: criteria provided, single submitter. Criteria: GeneDx Variant Classification Process June 2021. Collection method: clinical testing. Allele origin: germline. Affected: yes.
Comment: In silico analysis supports that this missense variant does not alter protein structure/function; Has not been previously published as pathogenic or benign to our knowledge